The following is an entry in ClinVar:

NM_024675.4(PALB2):c.686C>G (p.Pro229Arg)

Gene: PALB2 (partner and localizer of BRCA2; minus strand). Cytogenetic location: 16p12.2.
Variant type: single nucleotide variant.
Coding change: c.686C>G on transcript NM_024675.4 (MANE Select); coding-DNA position 686, C replaced by G.
Protein change: p.Pro229Arg; replaces proline 229 with arginine.
Molecular consequence: missense variant.
Genome position (GRCh38, 1-based): chr16:23,635,860, G>C on the plus strand (C>G on the coding strand, the complement: PALB2 is on the minus strand). VCF-style: chr16-23635860-G-C. GRCh37 (hg19) VCF-style: chr16-23647181-G-C.
Other names: c.626C>G, p.Pro209Arg (NM_001407296.1); c.686C>G, p.Pro229Arg (NM_001407297.1, NM_001407298.1, NM_001407299.1 and 3 more transcripts); c.-200C>G (NM_001407304.1, NM_001407305.1, NM_001407306.1 and 5 more transcripts); short protein forms P209R, P229R.
Identifiers: ClinVar variation 2068342 (VCV002068342.4), dbSNP rs368477874, ClinGen allele CA279499631.

ClinVar aggregate classification (germline): Uncertain significance (1 of 4 stars; one submission).

Conditions:
Familial cancer of breast. Also called: hereditary breast carcinoma; Hereditary breast cancer; BREAST CANCER, FAMILIAL. Identifiers: Orphanet 227535, MedGen C0346153, MONDO:0016419, OMIM 114480. Disease mechanism: loss of function.

Submission:

Labcorp Genetics (formerly Invitae), Labcorp
Classification: Uncertain significance for Familial cancer of breast. Last evaluated: 2022-01-27. Review status: criteria provided, single submitter. Criteria: Invitae Variant Classification Sherloc (09022015). Collection method: clinical testing. Allele origin: germline.
Comment: This sequence change replaces proline, which is neutral and non-polar, with arginine, which is basic and polar, at codon 229 of the PALB2 protein (p.Pro229Arg). This variant is not present in population databases (gnomAD no frequency). This variant has not been reported in the literature in individuals affected with PALB2-related conditions. Algorithms developed to predict the effect of missense changes on protein structure and function are either unavailable or do not agree on the potential impact of this missense change (SIFT: "Tolerated"; PolyPhen-2: "Possibly Damaging"; Align-GVGD: "Class C0"). In summary, the available evidence is currently insufficient to determine the role of this variant in disease. Therefore, it has been classified as a Variant of Uncertain Significance.